The following is an entry in ClinVar:

NM_004588.5(SCN2B):c.389T>C (p.Met130Thr)

Gene: SCN2B (sodium voltage-gated channel beta subunit 2; minus strand). Cytogenetic location: 11q23.3.
Variant type: single nucleotide variant.
Coding change: c.389T>C on transcript NM_004588.5 (MANE Select); coding-DNA position 389, T replaced by C.
Protein change: p.Met130Thr; replaces methionine 130 with threonine.
Molecular consequence: missense variant.
Genome position (GRCh38, 1-based): chr11:118,168,144, A>G on the plus strand (T>C on the coding strand, the complement: SCN2B is on the minus strand). VCF-style: chr11-118168144-A-G. GRCh37 (hg19) VCF-style: chr11-118038859-A-G.
Other names: short protein forms M130T.
Identifiers: ClinVar variation 2682371 (VCV002682371.1), dbSNP rs1187023626, ClinGen allele CA382784669.

ClinVar aggregate classification (germline): Uncertain significance (1 of 4 stars; one submission).

Allele frequency attached by ClinVar (database versions not stated): gnomAD exomes 0.00001.

Submission:

Women's Health and Genetics/Laboratory Corporation of America, LabCorp
Classification: Uncertain significance. Last evaluated: 2023-11-07. Review status: criteria provided, single submitter. Criteria: LabCorp Variant Classification Summary - May 2015. Collection method: clinical testing. Allele origin: germline.
Comment: Variant summary: SCN2B c.389T>C (p.Met130Thr) results in a non-conservative amino acid change located in the Immunoglobulin subtype domain (IPR003599) of the encoded protein sequence. Four of five in-silico tools predict a benign effect of the variant on protein function. The variant allele was found at a frequency of 4e-06 in 251382 control chromosomes (gnomAD). The available data on variant occurrences in the general population are insufficient to allow any conclusion about variant significance. To our knowledge, no occurrence of c.389T>C in individuals affected with Atrial Fibrillation and no experimental evidence demonstrating its impact on protein function have been reported. A co-occurrence with another pathogenic variant has been observed in our laboratory (FLNC c.1880_1887delATGTGCGG, p.Asp672ValfsX16; internal testing), providing supporting evidence for a benign role. No submitters have reported clinical-significance assessments for this variant to ClinVar after 2014. Based on the evidence outlined above, the variant was classified as uncertain significance.